The following is an entry in ClinVar:

ClinVar aggregate classification (germline): Uncertain significance (1 of 4 stars; one submission).

Allele frequency attached by ClinVar (database versions not stated): gnomAD exomes below 0.00001.

Submission:

Labcorp Genetics (formerly Invitae), Labcorp
Classification: Uncertain significance. Last evaluated: 2022-09-01. Review status: criteria provided, single submitter. Criteria: Invitae Variant Classification Sherloc (09022015). Collection method: clinical testing. Allele origin: germline.
Comment: This variant is present in population databases (no rsID available, gnomAD 0.006%). In summary, the available evidence is currently insufficient to determine the role of this variant in disease. Therefore, it has been classified as a Variant of Uncertain Significance. Variants that disrupt the consensus splice site are a relatively common cause of aberrant splicing (PMID: 17576681, 9536098). Algorithms developed to predict the effect of sequence changes on RNA splicing suggest that this variant is not likely to affect RNA splicing. ClinVar contains an entry for this variant (Variation ID: 1386254). This variant has not been reported in the literature in individuals affected with HEPACAM-related conditions. This sequence change falls in intron 4 of the HEPACAM gene. It does not directly change the encoded amino acid sequence of the HEPACAM protein. It affects a nucleotide within the consensus splice site.

Literature cited by the submitters: PubMed 17576681; PubMed 9536098.

NM_152722.5(HEPACAM):c.803+4T>C

Gene: HEPACAM (hepatic and glial cell adhesion molecule; minus strand). Cytogenetic location: 11q24.2.
Variant type: single nucleotide variant.
Coding change: c.803+4T>C on transcript NM_152722.5 (MANE Select); 4 bases into the intron after coding-DNA position 803, T replaced by C.
Molecular consequence: intron variant.
Genome position (GRCh38, 1-based): chr11:124,923,336, A>G on the plus strand (T>C on the coding strand, the complement: HEPACAM is on the minus strand). VCF-style: chr11-124923336-A-G. GRCh37 (hg19) VCF-style: chr11-124793232-A-G.
Identifiers: ClinVar variation 1386254 (VCV001386254.6), dbSNP rs1329281242, ClinGen allele CA602305798.